The following is an entry in ClinVar:

ClinVar aggregate classification (germline): Pathogenic (1 of 4 stars; one submission).

Conditions:
Cohen syndrome (COH1). Also called: PEPPER SYNDROME; Cutis verticis gyrata, retinitis pigmentosa, and sensorineural deafness. Identifiers: Orphanet 193, MedGen C0265223, MONDO:0008999, OMIM 216550.

Submission:

Labcorp Genetics (formerly Invitae), Labcorp
Classification: Pathogenic for Cohen syndrome. Last evaluated: 2020-11-11. Review status: criteria provided, single submitter. Criteria: Invitae Variant Classification Sherloc (09022015). Collection method: clinical testing. Allele origin: germline.
Comment: This variant has not been reported in the literature in individuals with VPS13B-related conditions. This sequence change creates a premature translational stop signal (p.Val3671Serfs*12) in the VPS13B gene. It is expected to result in an absent or disrupted protein product. Loss-of-function variants in VPS13B are known to be pathogenic (PMID: 15141358, 16648375, 20461111). This variant is not present in population databases (ExAC no frequency). For these reasons, this variant has been classified as Pathogenic.

Literature cited by the submitters: PubMed 15141358; PubMed 16648375; PubMed 20461111.

NM_152564.5(VPS13B):c.10936del (p.Val3646fs)

Gene: VPS13B (vacuolar protein sorting 13 homolog B; plus strand). Cytogenetic location: 8q22.2.
Variant type: Deletion.
Coding change: c.10936del on transcript NM_152564.5 (MANE Select); coding-DNA position 10936, one base deleted (G; older notation c.10936delG).
Protein change: p.Val3646fs; shifts the reading frame from valine 3646.
Molecular consequence: frameshift variant.
Genome position (GRCh38, 1-based): chr8:99,859,372, G deleted; the last of 4 consecutive G bases (chr8:99,859,369-99,859,372); deleting any one gives the same sequence. VCF-style (leftmost placement, unchanged base first): chr8-99859368-CG-C. GRCh37 (hg19) VCF-style: chr8-100871596-CG-C.
Other names: c.11011del, p.Val3671fs (NM_017890.5); short protein forms V3671fs, V3646fs.
Identifiers: ClinVar variation 1459498 (VCV001459498.6), dbSNP rs2130933596, ClinGen allele CA2573143499.